The following is an entry in ClinVar:

ClinVar aggregate classification (germline): Conflicting classifications of pathogenicity. Review status: criteria provided, conflicting classifications (1 of 4 stars). 3 submissions from 3 submitters: Uncertain significance (2); Benign (1). Last evaluated 2024-10-14.

Conditions:
Retinal dystrophy. Also called: Inherited retinal dystrophy. Identifiers: Orphanet 71862, MedGen C0854723, MeSH D058499, MONDO:0019118, HP:0000556.

Allele frequency attached by ClinVar (database versions not stated): gnomAD exomes below 0.00001; TOPMed 0.00001; ExAC 0.00002; 1000 Genomes Project 30x 0.00016; 1000 Genomes Project 0.00020.
gnomAD v4.1: 16 of 1,614,072 alleles (0.00099%); highest among the groups gnomAD compares: East Asian, 0.033%; no homozygotes.

Submissions (3):

Labcorp Genetics (formerly Invitae), Labcorp
Classification: Uncertain significance. Last evaluated: 2024-10-14. Review status: criteria provided, single submitter. Criteria: Invitae Variant Classification Sherloc (09022015). Collection method: clinical testing. Allele origin: germline.
Comment: This sequence change replaces threonine, which is neutral and polar, with serine, which is neutral and polar, at codon 478 of the IMPDH1 protein (p.Thr478Ser). This variant is present in population databases (rs564132747, gnomAD 0.006%). This variant has not been reported in the literature in individuals affected with IMPDH1-related conditions. ClinVar contains an entry for this variant (Variation ID: 1501111). An algorithm developed to predict the effect of missense changes on protein structure and function (PolyPhen-2) suggests that this variant is likely to be disruptive. In summary, the available evidence is currently insufficient to determine the role of this variant in disease. Therefore, it has been classified as a Variant of Uncertain Significance.

Dept Of Ophthalmology, Nagoya University
Classification: Benign for Retinal dystrophy. Last evaluated: 2023-10-01. Review status: criteria provided, single submitter. Criteria: Submitter's publication. Collection method: research. Allele origin: germline. Affected: yes.

Blueprint Genetics
Classification: Uncertain significance. Last evaluated: 2021-06-24. Review status: criteria provided, single submitter. Criteria: ACMG Guidelines, 2015. Collection method: clinical testing. Allele origin: germline.

NM_000883.4(IMPDH1):c.1433C>G (p.Thr478Ser)

Gene: IMPDH1 (inosine monophosphate dehydrogenase 1; minus strand). Cytogenetic location: 7q32.1.
Variant type: single nucleotide variant.
Coding change: c.1433C>G on transcript NM_000883.4 (MANE Select); coding-DNA position 1433, C replaced by G.
Protein change: p.Thr478Ser; replaces threonine 478 with serine.
Molecular consequence: missense variant.
Genome position (GRCh38, 1-based): chr7:128,395,006, G>C on the plus strand (C>G on the coding strand, the complement: IMPDH1 is on the minus strand). VCF-style: chr7-128395006-G-C. GRCh37 (hg19) VCF-style: chr7-128035060-G-C.
Other names: c.1403C>G, p.Thr468Ser (NM_001102605.2); c.1178C>G, p.Thr393Ser (NM_001142573.2); c.1163C>G, p.Thr388Ser (NM_001142574.2); c.1103C>G, p.Thr368Ser (NM_001142575.2); c.1334C>G, p.Thr445Ser (NM_001142576.2); c.1226C>G, p.Thr409Ser (NM_001304521.2); c.1325C>G, p.Thr442Ser (NM_183243.3); short protein forms T368S, T442S, T478S, T468S, T388S, T393S, T445S, T409S.
Identifiers: ClinVar variation 1501111 (VCV001501111.8), dbSNP rs564132747, ClinGen allele CA4470829.